The following is an entry in ClinVar:

ClinVar aggregate classification (germline): Uncertain significance. Review status: criteria provided, multiple submitters, no conflicts (2 of 4 stars). 5 submissions from 5 submitters: Uncertain significance (5). Last evaluated 2026-07-21.

Conditions:
Alstrom syndrome (ALMS). Identifiers: Orphanet 64, MedGen C0268425, MONDO:0008763, OMIM 203800.
Cardiovascular phenotype. Identifiers: MedGen CN230736.

Allele frequency attached by ClinVar (database versions not stated): ExAC 0.00001; TOPMed 0.00001; gnomAD exomes 0.00001.
gnomAD v4.1: 12 of 1,613,900 alleles (0.00074%); highest among the groups gnomAD compares: African/African-American, 0.0013%; no homozygotes.

Submissions (5):

Ambry Genetics
Classification: Uncertain significance for Cardiovascular phenotype. Last evaluated: 2026-07-21. Review status: criteria provided, single submitter. Criteria: Ambry Variant Classification Scheme 2023. Collection method: clinical testing. Allele origin: germline.
Comment: The c.12365+5G>C intronic variant results from a G to C substitution 5 nucleotides after coding exon 21 in the ALMS1 gene. This nucleotide position is highly conserved in available vertebrate species. In silico splice site analysis predicts that this alteration will weaken the native splice donor site and will result in the creation or strengthening of a novel splice donor site. Based on the available evidence, the clinical significance of this variant remains unclear.

Labcorp Genetics (formerly Invitae), Labcorp
Classification: Uncertain significance for Alstrom syndrome. Last evaluated: 2024-12-16. Review status: criteria provided, single submitter. Criteria: Invitae Variant Classification Sherloc (09022015). Collection method: clinical testing. Allele origin: germline.
Comment: This sequence change falls in intron 21 of the ALMS1 gene. It does not directly change the encoded amino acid sequence of the ALMS1 protein. It affects a nucleotide within the consensus splice site. This variant is present in population databases (rs771226996, gnomAD 0.002%). This variant has not been reported in the literature in individuals affected with ALMS1-related conditions. ClinVar contains an entry for this variant (Variation ID: 1461276). Variants that disrupt the consensus splice site are a relatively common cause of aberrant splicing (PMID: 17576681, 9536098). Algorithms developed to predict the effect of sequence changes on RNA splicing suggest that this variant may disrupt the consensus splice site. In summary, the available evidence is currently insufficient to determine the role of this variant in disease. Therefore, it has been classified as a Variant of Uncertain Significance.

GeneDx
Classification: Uncertain significance. Last evaluated: 2023-07-02. Review status: criteria provided, single submitter. Criteria: GeneDx Variant Classification Process June 2021. Collection method: clinical testing. Allele origin: germline. Affected: yes.
Comment: Not observed at significant frequency in large population cohorts (gnomAD); In silico analysis supports a deleterious effect on splicing; Has not been previously published as pathogenic or benign to our knowledge

Fulgent Genetics
Classification: Uncertain significance for Alstrom syndrome. Last evaluated: 2022-05-07. Review status: criteria provided, single submitter. Criteria: ACMG Guidelines, 2015. Collection method: clinical testing. Allele origin: unknown.

Blueprint Genetics
Classification: Uncertain significance. Last evaluated: 2021-11-30. Review status: criteria provided, single submitter. Criteria: ACMG Guidelines, 2015. Collection method: clinical testing. Allele origin: germline.

Literature cited by the submitters: PubMed 17576681 (cited by Labcorp Genetics (formerly Invitae), Labcorp); PubMed 9536098 (cited by Labcorp Genetics (formerly Invitae), Labcorp).

NM_001378454.1(ALMS1):c.12362+5G>C

Gene: ALMS1 (ALMS1 centrosome and basal body associated protein; plus strand). Cytogenetic location: 2p13.1.
Variant type: single nucleotide variant.
Coding change: c.12362+5G>C on transcript NM_001378454.1 (MANE Select); 5 bases into the intron after coding-DNA position 12362, G replaced by C.
Molecular consequence: intron variant.
Genome position (GRCh38, 1-based): chr2:73,603,309, G>C. VCF-style: chr2-73603309-G-C. GRCh37 (hg19) VCF-style: chr2-73830436-G-C.
Other names: c.12365+5G>C (NM_015120.4); c.12362+5G>C (NM_015120.4).
Identifiers: ClinVar variation 1461276 (VCV001461276.11), dbSNP rs771226996, ClinGen allele CA1715540.